The following is an entry in ClinVar:

ClinVar aggregate classification (germline): Uncertain significance (1 of 4 stars; one submission).

Allele frequency attached by ClinVar (database versions not stated): gnomAD exomes below 0.00001.

Submission:

Labcorp Genetics (formerly Invitae), Labcorp
Classification: Uncertain significance. Last evaluated: 2022-03-30. Review status: criteria provided, single submitter. Criteria: Invitae Variant Classification Sherloc (09022015). Collection method: clinical testing. Allele origin: germline.
Comment: Experimental studies and prediction algorithms are not available or were not evaluated, and the functional significance of this variant is currently unknown. In summary, the available evidence is currently insufficient to determine the role of this variant in disease. Therefore, it has been classified as a Variant of Uncertain Significance. This variant has not been reported in the literature in individuals affected with SPARC-related conditions. This variant is not present in population databases (gnomAD no frequency). This sequence change affects the initiator methionine of the SPARC mRNA. The next in-frame methionine is located at codon 92.

NM_003118.4(SPARC):c.3G>A (p.Met1Ile)

Gene: SPARC (secreted protein acidic and cysteine rich; minus strand). Cytogenetic location: 5q33.1.
Variant type: single nucleotide variant.
Coding change: c.3G>A on transcript NM_003118.4 (MANE Select); coding-DNA position 3, G replaced by A.
Protein change: p.Met1Ile; changes the start codon (methionine 1).
Molecular consequence: missense variant, initiator codon variant.
Genome position (GRCh38, 1-based): chr5:151,676,186, C>T on the plus strand (G>A on the coding strand, the complement: SPARC is on the minus strand). VCF-style: chr5-151676186-C-T. GRCh37 (hg19) VCF-style: chr5-151055747-C-T.
Other names: c.3G>A, p.Met1Ile (NM_001309443.2, NM_001309444.2); short protein forms M1I.
Identifiers: ClinVar variation 2119673 (VCV002119673.5), dbSNP rs2480221532, ClinGen allele CA361839251.